The following is an entry in ClinVar:

ClinVar aggregate classification (germline): Likely benign. Review status: criteria provided, multiple submitters, no conflicts (2 of 4 stars). 2 submissions from 2 submitters: Likely benign (2). Last evaluated 2026-01-26.

Conditions:
SMPD1-related disorder. Also called: SMPD1-related condition.
Niemann-Pick disease, type B. Also called: Chronic Visceral ASMD (Niemann-Pick Disease Type B; NPD-B). Identifiers: Orphanet 77293, MedGen C0268243, MONDO:0011871, OMIM 607616. Disease mechanism: loss of function.
Niemann-Pick disease, type A. Also called: Infantile Neurovisceral ASMD (Niemann-Pick Disease Type A; NPD-A); SPHINGOMYELIN LIPIDOSIS; SPHINGOMYELINASE DEFICIENCY. Identifiers: Orphanet 77292, MedGen C0268242, MONDO:0009756, OMIM 257200. Disease mechanism: loss of function.

Allele frequency attached by ClinVar (database versions not stated): gnomAD exomes below 0.00001 and 0.00002; TOPMed 0.00001; ExAC 0.00002.

Submissions (2):

Labcorp Genetics (formerly Invitae), Labcorp
Classification: Likely benign for Niemann-Pick disease, type B; Niemann-Pick disease, type A. Last evaluated: 2026-01-26. Review status: criteria provided, single submitter. Criteria: Invitae Variant Classification Sherloc (09022015). Collection method: clinical testing. Allele origin: germline.

PreventionGenetics, part of Exact Sciences
Classification: Likely benign for SMPD1-related condition. Last evaluated: 2025-02-05. Review status: criteria provided, single submitter. Criteria: ACMG Guidelines, 2015. Collection method: clinical testing. Allele origin: germline.
Comment: This variant is classified as likely benign based on ACMG/AMP sequence variant interpretation guidelines (Richards et al. 2015 PMID: 25741868, with internal and published modifications).

NM_000543.5(SMPD1):c.1794G>A (p.Gln598=)

Gene: SMPD1 (sphingomyelin phosphodiesterase 1; plus strand). Cytogenetic location: 11p15.4.
Variant type: single nucleotide variant.
Coding change: c.1794G>A on transcript NM_000543.5 (MANE Select); coding-DNA position 1794, G replaced by A.
Protein change: p.Gln598=; no amino-acid change (glutamine 598 retained).
Molecular consequence: synonymous variant. On other transcripts: 3 prime UTR variant (1), non-coding transcript variant (2).
Genome position (GRCh38, 1-based): chr11:6,394,505, G>A. VCF-style: chr11-6394505-G-A. GRCh37 (hg19) VCF-style: chr11-6415735-G-A.
Other names: c.1794G>A (NM_000543.4); c.1791G>A, p.Gln597= (NM_001007593.3); c.*287G>A (NM_001318087.2); c.873G>A, p.Gln291= (NM_001318088.2); c.1662G>A, p.Gln554= (NM_001365135.2).
Identifiers: ClinVar variation 1143734 (VCV001143734.8), dbSNP rs761689892, ClinGen allele CA5852989.